The following is an entry in ClinVar:

NM_016239.4(MYO15A):c.8322C>T (p.Ser2774=)

Gene: MYO15A (myosin XVA; plus strand). Cytogenetic location: 17p11.2.
Variant type: single nucleotide variant.
Coding change: c.8322C>T on transcript NM_016239.4 (MANE Select); coding-DNA position 8322, C replaced by T.
Protein change: p.Ser2774=; no amino-acid change (serine 2774 retained).
Molecular consequence: synonymous variant.
Genome position (GRCh38, 1-based): chr17:18,155,207, C>T. VCF-style: chr17-18155207-C-T. GRCh37 (hg19) VCF-style: chr17-18058521-C-T.
Other names: p.Ser2774=.
Identifiers: ClinVar variation 45767 (VCV000045767.27), dbSNP rs712272, ClinGen allele CA137020.

ClinVar aggregate classification (germline): Benign. Review status: criteria provided, multiple submitters, no conflicts (2 of 4 stars). 11 submissions from 11 submitters: Benign (9). 2 of the submissions do not count toward it. Last evaluated 2026-06-26.

Conditions:
Autosomal recessive nonsyndromic hearing loss 3. Also called: NEUROSENSORY NONSYNDROMIC RECESSIVE DEAFNESS 3. Identifiers: Orphanet 90636, MedGen C1838263, MONDO:0010860, OMIM 600316.

Allele frequency attached by ClinVar (database versions not stated): gnomAD 0.33657 and 0.34416; gnomAD exomes 0.38967; ESP Exome Variant Server 0.34793; 1000 Genomes Project 30x 0.21877; 1000 Genomes Project 0.21526; TOPMed 0.32178.
gnomAD v4.1: 619,088 of 1,613,392 alleles (38%); highest among the groups gnomAD compares: Non-Finnish European, 42%; 124,843 homozygotes.

Submissions (11):

Women's Health and Genetics/Laboratory Corporation of America, LabCorp
Classification: Benign. Last evaluated: 2026-06-26. Review status: criteria provided, single submitter. Criteria: LabCorp Variant Classification Summary - May 2015. Collection method: clinical testing. Allele origin: germline.

Labcorp Genetics (formerly Invitae), Labcorp
Classification: Benign. Last evaluated: 2026-02-04. Review status: criteria provided, single submitter. Criteria: Invitae Variant Classification Sherloc (09022015). Collection method: clinical testing. Allele origin: germline.

Genome-Nilou Lab
Classification: Benign for Autosomal recessive nonsyndromic hearing loss 3. Last evaluated: 2021-09-05. Review status: criteria provided, single submitter. Criteria: ACMG Guidelines, 2015. Collection method: clinical testing. Allele origin: germline. Affected: no.

Mayo Clinic Laboratories, Mayo Clinic
Classification: Benign. Last evaluated: 2020-10-20. Review status: criteria provided, single submitter. Criteria: ACMG Guidelines, 2015. Collection method: clinical testing. Allele origin: germline. Observed: 96 variant alleles.

Illumina Laboratory Services, Illumina
Classification: Benign for Autosomal recessive nonsyndromic hearing loss 3. Last evaluated: 2018-01-13. Review status: criteria provided, single submitter. Criteria: ICSL Variant Classification Criteria 13 December 2019. Collection method: clinical testing. Allele origin: germline.
Comment: This variant was observed in the ICSL laboratory as part of a predisposition screen in an ostensibly healthy population. It had not been previously curated by ICSL or reported in the Human Gene Mutation Database (HGMD: prior to June 1st, 2018), and was therefore a candidate for classification through an automated scoring system. Utilizing variant allele frequency, disease prevalence and penetrance estimates, and inheritance mode, an automated score was calculated to assess if this variant is too frequent to cause the disease. Based on the score and internal cut-off values, a variant classified as benign is not then subjected to further curation. The score for this variant resulted in a classification of benign for this disease.

GeneDx
Classification: Benign. Last evaluated: 2017-05-09. Review status: criteria provided, single submitter. Criteria: GeneDx Variant Classification (06012015). Collection method: clinical testing. Allele origin: germline. Affected: yes.
Comment: This variant is considered likely benign or benign based on one or more of the following criteria: it is a conservative change, it occurs at a poorly conserved position in the protein, it is predicted to be benign by multiple in silico algorithms, and/or has population frequency not consistent with disease.

Laboratory for Molecular Medicine, Mass General Brigham Personalized Medicine
Classification: Benign. Last evaluated: 2012-05-07. Review status: criteria provided, single submitter. Criteria: LMM Criteria. Collection method: clinical testing. Allele origin: germline. Observed: 964 variant alleles.
Comment: "Ser2774Ser in Exon 46 of MYO15A: This variant is not expected to have clinical significance because it does not alter an amino acid residue, is not located wit hin the splice consensus sequence, and has been identified in 40.1% (2748/6852) of European American chromosomes from a broad population by the NHLBI Exome Sequ encing Project (dbSNP rs712272)."

Breakthrough Genomics
Classification: Benign. Review status: criteria provided, single submitter. Criteria: ACMG Guidelines, 2015. Collection method: not provided. Allele origin: germline. Inheritance: Autosomal recessive inheritance. Affected: yes.

PreventionGenetics, part of Exact Sciences
Classification: Benign. Review status: criteria provided, single submitter. Criteria: ACMG Guidelines, 2015. Collection method: clinical testing. Allele origin: germline.

Diagnostic Laboratory, Department of Genetics, University Medical Center Groningen
Classification: Benign. Review status: no assertion criteria provided. Collection method: clinical testing. Allele origin: germline. Affected: yes. Study: VKGL Data-share Consensus. Not counted in ClinVar's aggregate classification.

Joint Genome Diagnostic Labs from Nijmegen and Maastricht, Radboudumc and MUMC+
Classification: Benign. Review status: no assertion criteria provided. Collection method: clinical testing. Allele origin: germline. Affected: yes. Study: VKGL Data-share Consensus. Not counted in ClinVar's aggregate classification.